The following is an entry in ClinVar:

NM_001144967.3(NEDD4L):c.1324C>T (p.Arg442Cys)

Gene: NEDD4L (NEDD4 like E3 ubiquitin protein ligase; plus strand). Cytogenetic location: 18q21.31.
Variant type: single nucleotide variant.
Coding change: c.1324C>T on transcript NM_001144967.3 (MANE Select); coding-DNA position 1324, C replaced by T.
Protein change: p.Arg442Cys; replaces arginine 442 with cysteine.
Molecular consequence: missense variant.
Genome position (GRCh38, 1-based): chr18:58,341,744, C>T. VCF-style: chr18-58341744-C-T. GRCh37 (hg19) VCF-style: chr18-56008976-C-T.
Other names: c.961C>T, p.Arg321Cys (NM_001144964.1, NM_001144965.2, NM_001144966.3); c.1300C>T, p.Arg434Cys (NM_001144968.2); c.1240C>T, p.Arg414Cys (NM_001144969.2); c.901C>T, p.Arg301Cys (NM_001144970.3, NM_001144971.2); c.1132C>T, p.Arg378Cys (NM_001243960.2); c.1264C>T, p.Arg422Cys (NM_015277.6); c.1264C>T (NM_015277.5); short protein forms R378C, R414C, R422C, R301C, R321C, R434C, R442C.
Identifiers: ClinVar variation 2161239 (VCV002161239.5), dbSNP rs762946023, ClinGen allele CA8975656.

ClinVar aggregate classification (germline): Uncertain significance. Review status: criteria provided, multiple submitters, no conflicts (2 of 4 stars). 2 submissions from 2 submitters: Uncertain significance (2). Last evaluated 2025-08-07.

Conditions:
Inborn genetic diseases. Identifiers: MedGen C0950123, MeSH D030342.

Allele frequency attached by ClinVar (database versions not stated): gnomAD exomes below 0.00001; ExAC 0.00001.
gnomAD v4.1: 7 of 1,613,876 alleles (0.00043%); highest among the groups gnomAD compares: South Asian, 0.0033%; no homozygotes.

Submissions (2):

Ambry Genetics
Classification: Uncertain significance for Inborn genetic diseases. Last evaluated: 2025-08-07. Review status: criteria provided, single submitter. Criteria: Ambry Variant Classification Scheme 2023. Collection method: clinical testing. Allele origin: germline.

Labcorp Genetics (formerly Invitae), Labcorp
Classification: Uncertain significance. Last evaluated: 2022-03-13. Review status: criteria provided, single submitter. Criteria: Invitae Variant Classification Sherloc (09022015). Collection method: clinical testing. Allele origin: germline.
Comment: This sequence change replaces arginine, which is basic and polar, with cysteine, which is neutral and slightly polar, at codon 422 of the NEDD4L protein (p.Arg422Cys). In summary, the available evidence is currently insufficient to determine the role of this variant in disease. Therefore, it has been classified as a Variant of Uncertain Significance. Algorithms developed to predict the effect of missense changes on protein structure and function are either unavailable or do not agree on the potential impact of this missense change (SIFT: "Deleterious"; PolyPhen-2: "Possibly Damaging"; Align-GVGD: "Class C0"). This variant has not been reported in the literature in individuals affected with NEDD4L-related conditions. This variant is present in population databases (rs762946023, gnomAD 0.0009%).